The following is an entry in ClinVar:

NM_001122769.3(LCA5):c.10A>G (p.Arg4Gly)

Gene: LCA5 (lebercilin LCA5; minus strand). Cytogenetic location: 6q14.1.
Variant type: single nucleotide variant.
Coding change: c.10A>G on transcript NM_001122769.3 (MANE Select); coding-DNA position 10, A replaced by G.
Protein change: p.Arg4Gly; replaces arginine 4 with glycine.
Molecular consequence: missense variant.
Genome position (GRCh38, 1-based): chr6:79,518,885, T>C on the plus strand (A>G on the coding strand, the complement: LCA5 is on the minus strand). VCF-style: chr6-79518885-T-C. GRCh37 (hg19) VCF-style: chr6-80228602-T-C.
Other names: c.10A>G, p.Arg4Gly (NM_181714.4); short protein forms R4G.
Identifiers: ClinVar variation 3731447 (VCV003731447.1).

ClinVar aggregate classification (germline): Uncertain significance (1 of 4 stars; one submission).

Conditions:
Leber congenital amaurosis 5 (LCA5). Also called: Amaurosis congenita of Leber, type 5. Identifiers: Orphanet 65, MedGen C1858301, MONDO:0011473, OMIM 604537.

gnomAD v4.1: 2 of 1,614,170 alleles (0.00012%); highest among the groups gnomAD compares: Non-Finnish European, 0.000085%; no homozygotes.

Submission:

Neuberg Centre For Genomic Medicine, NCGM
Classification: Uncertain significance for Leber congenital amaurosis 5. Last evaluated: 2023-06-22. Review status: criteria provided, single submitter. Criteria: ACMG Guidelines, 2015. Collection method: clinical testing. Allele origin: germline. Inheritance: Autosomal recessive inheritance. Affected: yes.
Comment: The missense c.10A>G(p.Arg4Gly) variant in LCA5 gene has not been reported previously as a pathogenic variant nor as a benign variant, to our knowledge. The p.Arg4Gly variant is absent in gnomAD Exomes. This variant has not been submitted to the ClinVar database. Multiple lines of computational evidence (Polyphen - Probably Damaging, SIFT - Damaging and MutationTaster - Disease causing) predict damaging effect on protein structure and function for this variant. The reference amino acid at this position in LCA5 is predicted as conserved by GERP++ and PhyloP across 100 vertebrates. The amino acid Arg at position 4 is changed to a Gly changing protein sequence and it might alter its composition and physico-chemical properties. For these reasons, this variant has been classified as Variant of Uncertain Significance (VUS).